The following is an entry in ClinVar:

NM_019059.5(TOMM7):c.26_29del (p.Lys9fs)

Gene: TOMM7 (translocase of outer mitochondrial membrane 7; minus strand). Cytogenetic location: 7p15.3.
Variant type: Deletion.
Coding change: c.26_29del on transcript NM_019059.5 (MANE Select); coding-DNA positions 26 to 29, 4 bases deleted (AGCA; older notation c.26_29delAGCA).
Protein change: p.Lys9fs; shifts the reading frame from lysine 9.
Molecular consequence: frameshift variant. On other transcripts: non-coding transcript variant (2).
Genome position (GRCh38, 1-based): chr7:22,822,751-22,822,754, TGCT deleted on the plus strand (AGCA on the coding strand, the reverse complement: TOMM7 is on the minus strand); deleting any 4 consecutive bases within chr7:22,822,751-22,822,756 gives the same sequence; the c. name uses the placement nearest the transcript's 3' end. VCF-style (leftmost placement, unchanged base first): chr7-22822750-CTGCT-C. GRCh37 (hg19) VCF-style: chr7-22862369-CTGCT-C.
Other names: short protein forms K9fs.
Identifiers: ClinVar variation 3809502 (VCV003809502.1).

ClinVar aggregate classification (germline): Pathogenic (1 of 4 stars; one submission).

Submission:

Ambry Genetics
Classification: Pathogenic. Last evaluated: 2025-01-10. Review status: criteria provided, single submitter. Criteria: Ambry Variant Classification Scheme 2023. Collection method: clinical testing. Allele origin: germline.
Comment: The c.26_29delAGCA (p.K9Rfs*22) alteration, located in exon 1 (coding exon 1) of the TOMM7 gene, consists of a deletion of 4 nucleotides from position 26 to 29, causing a translational frameshift with a predicted alternate stop codon after 22 amino acids. This alteration is expected to result in loss of function by premature protein truncation or nonsense-mediated mRNA decay. This variant was not reported in population-based cohorts in the Genome Aggregation Database (gnomAD). Based on the available evidence, this alteration is classified as pathogenic.